The following is an entry in ClinVar:

NM_001165963.4(SCN1A):c.752T>G (p.Met251Arg)

Gene: SCN1A (sodium voltage-gated channel alpha subunit 1; minus strand). Cytogenetic location: 2q24.3.
Variant type: single nucleotide variant.
Coding change: c.752T>G on transcript NM_001165963.4 (MANE Select); coding-DNA position 752, T replaced by G.
Protein change: p.Met251Arg; replaces methionine 251 with arginine.
Molecular consequence: missense variant. On other transcripts: 5 prime UTR variant (1), non-coding transcript variant (1).
Genome position (GRCh38, 1-based): chr2:166,051,931, A>C on the plus strand (T>G on the coding strand, the complement: SCN1A is on the minus strand). VCF-style: chr2-166051931-A-C. GRCh37 (hg19) VCF-style: chr2-166908441-A-C.
Other names: c.752T>G, p.Met251Arg (NM_001165964.3, NM_001202435.3, NM_001353948.2 and 10 more transcripts); c.-1674T>G (NM_001353961.2); short protein forms M251R.
Identifiers: ClinVar variation 530428 (VCV000530428.2), dbSNP rs1553549834, ClinGen allele CA349073597.

ClinVar aggregate classification (germline): Likely pathogenic (1 of 4 stars; one submission).

Conditions:
Developmental and epileptic encephalopathy. Identifiers: MedGen C5779964, MONDO:0100620.

Submission:

Labcorp Genetics (formerly Invitae), Labcorp
Classification: Likely pathogenic for Early infantile epileptic encephalopathy. Last evaluated: 2018-04-04. Review status: criteria provided, single submitter. Criteria: Invitae Variant Classification Sherloc (09022015). Collection method: clinical testing. Allele origin: germline.
Comment: This sequence change replaces methionine with arginine at codon 251 of the SCN1A protein (p.Met251Arg). The methionine residue is highly conserved and there is a moderate physicochemical difference between methionine and arginine. This variant is not present in population databases (ExAC no frequency). Algorithms developed to predict the effect of missense changes on protein structure and function (SIFT, PolyPhen-2, Align-GVGD) all suggest that this variant is likely to be disruptive, but these predictions have not been confirmed by published functional studies and their clinical significance is uncertain. This variant identified in the SCN1A gene is located in the transmembrane D1-S5 region of the resulting protein (PMID: 25348405, 18804930), but it is unclear how this variant impacts the function of this protein. In summary, the currently available evidence indicates that the variant is pathogenic, but additional data are needed to prove that conclusively. Therefore, this variant has been classified as Likely Pathogenic.

Literature cited by the submitters: PubMed 25348405; PubMed 18804930.